The following is an entry in ClinVar:

NM_001376.5(DYNC1H1):c.12751A>G (p.Ile4251Val)

Gene: DYNC1H1 (dynein cytoplasmic 1 heavy chain 1; plus strand). Cytogenetic location: 14q32.31.
Variant type: single nucleotide variant.
Coding change: c.12751A>G on transcript NM_001376.5 (MANE Select); coding-DNA position 12751, A replaced by G.
Protein change: p.Ile4251Val; replaces isoleucine 4251 with valine.
Molecular consequence: missense variant.
Genome position (GRCh38, 1-based): chr14:102,044,340, A>G. VCF-style: chr14-102044340-A-G. GRCh37 (hg19) VCF-style: chr14-102510677-A-G.
Other names: short protein forms I4251V.
Identifiers: ClinVar variation 1514660 (VCV001514660.8), dbSNP rs1467036408, ClinGen allele CA391043788.
Genomic context (GRCh38, chr14:102,044,340, plus strand): 5'-CAGAACATCTCACCGGATAAGATCCCGTGGTCTGCACTAAAGACCTTAATGGCCCAGTCC[A>G]TTTATGGCGGGCGCGTGGACAACGAGTTTGACCAGCGTCTGCTCAACACCTTCCTGGAGC-3'
Protein context (NP_001367.2, residues 4241-4261): SALKTLMAQS[Ile4251Val]YGGRVDNEFD

ClinVar aggregate classification (germline): Uncertain significance (1 of 4 stars; one submission).

Conditions:
Charcot-Marie-Tooth disease axonal type 2O. Also called: CHARCOT-MARIE-TOOTH NEUROPATHY, AXONAL, TYPE 2O; CHARCOT-MARIE-TOOTH DISEASE, AXONAL, AUTOSOMAL DOMINANT, TYPE 2O; Charcot-Marie-Tooth disease, axonal, type 20; Charcot-Marie-Tooth Neuropathy Type 2O. Identifiers: Orphanet 284232, MedGen C3280220, MONDO:0013644, OMIM 614228.

Allele frequency attached by ClinVar (database versions not stated): TOPMed 0.00001.
gnomAD v4.1: 1 of 1,614,218 alleles (0.000062%); highest among the groups gnomAD compares: Admixed American, 0.0017%; no homozygotes.

Submission:

Labcorp Genetics (formerly Invitae), Labcorp
Classification: Uncertain significance for Charcot-Marie-Tooth disease axonal type 2O. Last evaluated: 2021-03-07. Review status: criteria provided, single submitter. Criteria: Invitae Variant Classification Sherloc (09022015). Collection method: clinical testing. Allele origin: germline.
Comment: This sequence change replaces isoleucine with valine at codon 4251 of the DYNC1H1 protein (p.Ile4251Val). The isoleucine residue is highly conserved and there is a small physicochemical difference between isoleucine and valine. This variant is not present in population databases (ExAC no frequency). In summary, the available evidence is currently insufficient to determine the role of this variant in disease. Therefore, it has been classified as a Variant of Uncertain Significance. Advanced modeling of protein sequence and biophysical properties (such as structural, functional, and spatial information, amino acid conservation, physicochemical variation, residue mobility, and thermodynamic stability) performed at Invitae indicates that this missense variant is not expected to disrupt DYNC1H1 protein function. This variant has not been reported in the literature in individuals with DYNC1H1-related conditions.